The following is an entry in ClinVar:

ClinVar aggregate classification (germline): Uncertain significance (1 of 4 stars; one submission).

Conditions:
Leber congenital amaurosis 4 (LCA4). Identifiers: MedGen C1858386, MONDO:0011458, OMIM 604393.

Allele frequency attached by ClinVar (database versions not stated): ExAC 0.00001.
gnomAD v4.1: 4 of 1,612,936 alleles (0.00025%); highest among the groups gnomAD compares: East Asian, 0.0045%; no homozygotes.

Submission:

Labcorp Genetics (formerly Invitae), Labcorp
Classification: Uncertain significance for Leber congenital amaurosis 4. Last evaluated: 2021-09-04. Review status: criteria provided, single submitter. Criteria: Invitae Variant Classification Sherloc (09022015). Collection method: clinical testing. Allele origin: germline.
Comment: This sequence change replaces alanine with serine at codon 344 of the AIPL1 protein (p.Ala344Ser). The alanine residue is weakly conserved and there is a moderate physicochemical difference between alanine and serine. This variant is present in population databases (rs757121467, ExAC 0.01%). This variant has not been reported in the literature in individuals affected with AIPL1-related conditions. Algorithms developed to predict the effect of missense changes on protein structure and function are either unavailable or do not agree on the potential impact of this missense change (SIFT: "Tolerated"; PolyPhen-2: "Not Available"; Align-GVGD: "Class C0"). In summary, the available evidence is currently insufficient to determine the role of this variant in disease. Therefore, it has been classified as a Variant of Uncertain Significance.

NM_014336.5(AIPL1):c.1030G>T (p.Ala344Ser)

Gene: AIPL1 (AIP like 1 HSP90 co-chaperone; minus strand). Cytogenetic location: 17p13.2.
Variant type: single nucleotide variant.
Coding change: c.1030G>T on transcript NM_014336.5 (MANE Select); coding-DNA position 1030, G replaced by T.
Protein change: p.Ala344Ser; replaces alanine 344 with serine.
Molecular consequence: missense variant. On other transcripts: 3 prime UTR variant (1).
Genome position (GRCh38, 1-based): chr17:6,425,585, C>A on the plus strand (G>T on the coding strand, the complement: AIPL1 is on the minus strand). VCF-style: chr17-6425585-C-A. GRCh37 (hg19) VCF-style: chr17-6328905-C-A.
Other names: c.841G>T, p.Ala281Ser (NM_001033054.3); c.850G>T, p.Ala284Ser (NM_001033055.3); c.994G>T, p.Ala332Ser (NM_001285399.3); c.964G>T, p.Ala322Ser (NM_001285400.3); c.958G>T, p.Ala320Ser (NM_001285401.3); c.913G>T, p.Ala305Ser (NM_001285402.2); c.*1001G>T (NM_001285403.4); short protein forms A322S, A305S, A332S, A281S, A320S, A344S, A284S.
Identifiers: ClinVar variation 1469477 (VCV001469477.3), dbSNP rs757121467, ClinGen allele CA8328326.